The following is an entry in ClinVar:

ClinVar aggregate classification (germline): Likely pathogenic (1 of 4 stars; one submission).

Conditions:
3M syndrome 1. Also called: 3-M Syndrome, CUL7-Related. Identifiers: Orphanet 2616, MedGen C2678312, MONDO:0010117, OMIM 273750.

Submission:

3billion
Classification: Likely pathogenic for 3M syndrome 1. Last evaluated: 2022-09-01. Review status: criteria provided, single submitter. Criteria: ACMG Guidelines, 2015. Collection method: clinical testing. Allele origin: germline. Affected: yes. Observed: 1 homozygote.
Comment: The variant is not observed in the gnomAD v2.1.1 dataset. Frameshift variant is predicted to result in a loss or disruption of normal protein function through nonsense-mediated decay (NMD) or protein truncation. Multiple pathogenic variants are reported downstream of the variant. Therefore, this variant is classified as Likely pathogenic according to the recommendation of ACMG/AMP guideline.

NM_014780.5(CUL7):c.2761_2765del (p.Asn921fs)

Gene: CUL7 (cullin 7; minus strand). Cytogenetic location: 6p21.1.
Variant type: Microsatellite.
Coding change: c.2761_2765del on transcript NM_014780.5 (MANE Select); coding-DNA positions 2761 to 2765, 5 bases deleted (AACTC; older notation c.2761_2765delAACTC).
Protein change: p.Asn921fs; shifts the reading frame from asparagine 921.
Molecular consequence: frameshift variant.
Genome position (GRCh38, 1-based): chr6:43,045,987-43,045,991, GAGTT deleted on the plus strand (AACTC on the coding strand, the reverse complement: CUL7 is on the minus strand); deleting any 5 consecutive bases within chr6:43,045,987-43,045,996 gives the same sequence; the c. name uses the placement nearest the transcript's 3' end. VCF-style (leftmost placement, unchanged base first): chr6-43045986-CGAGTT-C. GRCh37 (hg19) VCF-style: chr6-43013724-CGAGTT-C.
Other names: c.2857_2861del, p.Asn953fs (NM_001168370.2, NM_001374872.1); c.2761_2765del, p.Asn921fs (NM_001374873.1, NM_001374874.1); short protein forms N921fs, N953fs.
Identifiers: ClinVar variation 1705462 (VCV001705462.1), dbSNP rs2532665043, ClinGen allele CA2580614889.